The following is an entry in ClinVar:

ClinVar aggregate classification (germline): Likely pathogenic (1 of 4 stars; one submission).

Submission:

Labcorp Genetics (formerly Invitae), Labcorp
Classification: Likely pathogenic. Last evaluated: 2024-10-26. Review status: criteria provided, single submitter. Criteria: Invitae Variant Classification Sherloc (09022015). Collection method: clinical testing. Allele origin: germline.
Comment: This sequence change replaces aspartic acid, which is acidic and polar, with tyrosine, which is neutral and polar, at codon 302 of the COMP protein (p.Asp302Tyr). This variant is not present in population databases (gnomAD no frequency). This missense change has been observed in individual(s) with multiple epiphyseal dysplasia (PMID: 21965141). Invitae Evidence Modeling of protein sequence and biophysical properties (such as structural, functional, and spatial information, amino acid conservation, physicochemical variation, residue mobility, and thermodynamic stability) indicates that this missense variant is expected to disrupt COMP protein function with a positive predictive value of 80%. This variant disrupts the p.Asp302 amino acid residue in COMP. Other variant(s) that disrupt this residue have been determined to be pathogenic (PMID: 10405447, 17570134). This suggests that this residue is clinically significant, and that variants that disrupt this residue are likely to be disease-causing. In summary, the currently available evidence indicates that the variant is pathogenic, but additional data are needed to prove that conclusively. Therefore, this variant has been classified as Likely Pathogenic.

Literature cited by the submitters: PubMed 21965141; PubMed 10405447; PubMed 17570134.

NM_000095.3(COMP):c.904G>T (p.Asp302Tyr)

Gene: COMP (cartilage oligomeric matrix protein; minus strand). Cytogenetic location: 19p13.11.
Variant type: single nucleotide variant.
Coding change: c.904G>T on transcript NM_000095.3 (MANE Select); coding-DNA position 904, G replaced by T.
Protein change: p.Asp302Tyr; replaces aspartic acid 302 with tyrosine.
Molecular consequence: missense variant.
Genome position (GRCh38, 1-based): chr19:18,788,283, C>A on the plus strand (G>T on the coding strand, the complement: COMP is on the minus strand). VCF-style: chr19-18788283-C-A. GRCh37 (hg19) VCF-style: chr19-18899092-C-A.
Other names: short protein forms D302Y.
Identifiers: ClinVar variation 3723511 (VCV003723511.2).
Genomic context (GRCh38, chr19:18,788,283, plus strand): 5'-GGACCCCGTCCCCGTCGGCATCCGGATCGCAGGCGTCTCCGATGCCATCGCGGTCCACAT[C>A]CTCCTGCCCTGAGTTGGGCACAGTCACGCAGTTGTCCTGGGGGCGGGCACAGAAGGTGTG-3'
Protein context (NP_000086.2, residues 292-312): CVTVPNSGQE[Asp302Tyr]VDRDGIGDAC